The following is an entry in ClinVar:

ClinVar aggregate classification (germline): Uncertain significance. Review status: criteria provided, multiple submitters, no conflicts (2 of 4 stars). 8 submissions from 8 submitters: Uncertain significance (7). 1 of the submissions does not count toward it. Last evaluated 2026-08-06.

Conditions:
Ataxia-telangiectasia syndrome (AT). Also called: Ataxia-telangiectasia, complementation group E; Cerebello-oculocutaneous telangiectasia; Immunodeficiency with ataxia telangiectasia; LOUIS-BAR SYNDROME; Ataxia-telangiectasia, complementation group D; AT, COMPLEMENTATION GROUP C. Identifiers: Orphanet 100, MedGen C0004135, MONDO:0008840, OMIM 208900.
Hereditary cancer-predisposing syndrome. Also called: Neoplastic Syndromes, Hereditary; Hereditary neoplastic syndrome; Hereditary Cancer Syndrome; Tumor predisposition. Identifiers: Orphanet 140162, MedGen C0027672, MeSH D009386, MONDO:0015356.
Familial cancer of breast. Also called: BREAST CANCER, FAMILIAL; hereditary breast carcinoma; Hereditary breast cancer. Identifiers: Orphanet 227535, MedGen C0346153, MONDO:0016419, OMIM 114480. Disease mechanism: loss of function.

Allele frequency attached by ClinVar (database versions not stated): gnomAD exomes below 0.00001.
gnomAD v4.1: 3 of 1,614,128 alleles (0.00019%); highest among the groups gnomAD compares: Admixed American, 0.0017%; no homozygotes.

Submissions (8):

OLLIN Analises Genomicas, OLLIN
Classification: Uncertain significance for Familial cancer of breast. Last evaluated: 2026-08-06. Review status: criteria provided, single submitter. Criteria: ACMG Guidelines 2015 PMID 25741868. Collection method: clinical testing. Allele origin: germline. Inheritance: Autosomal recessive inheritance.
Comment: This missense variant, located in exon 17 (of 63), has been reported in ClinVar (accession VCV002031165.7) and in gnomAD with an allele frequency of 0.00019%. However, to our knowledge, it has not been reported in the scientific literature. In silico analysis predicts that this variant has a tolerated effect. According to the currently available evidence, this variant has been classified as uncertain significance (PM2_P, BP4).

Labcorp Genetics (formerly Invitae), Labcorp
Classification: Uncertain significance for Ataxia-telangiectasia syndrome. Last evaluated: 2025-12-28. Review status: criteria provided, single submitter. Criteria: Invitae Variant Classification Sherloc (09022015). Collection method: clinical testing. Allele origin: germline.
Comment: This sequence change replaces glutamic acid, which is acidic and polar, with aspartic acid, which is acidic and polar, at codon 839 of the ATM protein (p.Glu839Asp). This variant is present in population databases (no rsID available, gnomAD no frequency). This variant has not been reported in the literature in individuals affected with ATM-related conditions. ClinVar contains an entry for this variant (Variation ID: 407713). Invitae Evidence Modeling of protein sequence and biophysical properties (such as structural, functional, and spatial information, amino acid conservation, physicochemical variation, residue mobility, and thermodynamic stability) indicates that this missense variant is not expected to disrupt ATM protein function with a negative predictive value of 95%. In summary, the available evidence is currently insufficient to determine the role of this variant in disease. Therefore, it has been classified as a Variant of Uncertain Significance.

Quest Diagnostics Nichols Institute San Juan Capistrano
Classification: Uncertain significance. Last evaluated: 2025-09-12. Review status: criteria provided, single submitter. Criteria: Quest Diagnostics criteria. Collection method: clinical testing. Allele origin: unknown.

Ambry Genetics
Classification: Uncertain significance for Hereditary cancer-predisposing syndrome. Last evaluated: 2025-07-28. Review status: criteria provided, single submitter. Criteria: Ambry Variant Classification Scheme 2023. Collection method: clinical testing. Allele origin: germline.
Comment: The p.E839D variant (also known as c.2517A>T), located in coding exon 16 of the ATM gene, results from an A to T substitution at nucleotide position 2517. The glutamic acid at codon 839 is replaced by aspartic acid, an amino acid with highly similar properties. This amino acid position is not well conserved in available vertebrate species. In addition, this alteration is predicted to be tolerated by in silico analysis. Since supporting evidence is limited at this time, the clinical significance of this alteration remains unclear.

Color Diagnostics, LLC DBA Color Health
Classification: Uncertain significance for Hereditary cancer-predisposing syndrome. Last evaluated: 2024-03-06. Review status: criteria provided, single submitter. Criteria: ACMG Guidelines, 2015. Collection method: clinical testing. Allele origin: germline.
Comment: This missense variant replaces glutamic acid with aspartic acid at codon 839 of the ATM protein. Computational prediction suggests that this variant may not impact protein structure and function (internally defined REVEL score threshold <= 0.5, PMID: 27666373). To our knowledge, functional studies have not been reported for this variant. This variant has not been reported in individuals affected with ATM-related disorders in the literature. This variant has been identified in 1/251400 chromosomes in the general population by the Genome Aggregation Database (gnomAD). The available evidence is insufficient to determine the role of this variant in disease conclusively. Therefore, this variant is classified as a Variant of Uncertain Significance.

GeneDx
Classification: Uncertain significance. Last evaluated: 2024-01-17. Review status: criteria provided, single submitter. Criteria: GeneDx Variant Classification Process June 2021. Collection method: clinical testing. Allele origin: germline. Affected: yes.
Comment: Not observed at significant frequency in large population cohorts (gnomAD); In silico analysis supports that this missense variant does not alter protein structure/function; Has not been previously published as pathogenic or benign to our knowledge

Women's Health and Genetics/Laboratory Corporation of America, LabCorp
Classification: Uncertain significance. Last evaluated: 2021-08-13. Review status: criteria provided, single submitter. Criteria: LabCorp Variant Classification Summary - May 2015. Collection method: clinical testing. Allele origin: germline.
Comment: Variant summary: ATM c.2517A>T (p.Glu839Asp) results in a conservative amino acid change in the encoded protein sequence. Five of five in-silico tools predict a benign effect of the variant on protein function. The variant allele was found at a frequency of 4e-06 in 251400 control chromosomes (gnomAD). The available data on variant occurrences in the general population are insufficient to allow any conclusion about variant significance. To our knowledge, no occurrence of c.2517A>T in individuals affected with Breast Cancer and no experimental evidence demonstrating its impact on protein function have been reported. Three ClinVar submitters (evaluation after 2014) cite the variant as uncertain significance. Based on the evidence outlined above, the variant was classified as uncertain significance.

Natera, Inc.
Classification: Uncertain significance for Ataxia-telangiectasia. Last evaluated: 2020-10-23. Review status: no assertion criteria provided. Collection method: clinical testing. Allele origin: germline. Not counted in ClinVar's aggregate classification.

NM_000051.4(ATM):c.2517A>T (p.Glu839Asp)

Gene: ATM (ATM serine/threonine kinase; plus strand). Cytogenetic location: 11q22.3.
Variant type: single nucleotide variant.
Coding change: c.2517A>T on transcript NM_000051.4 (MANE Select); coding-DNA position 2517, A replaced by T.
Protein change: p.Glu839Asp; replaces glutamic acid 839 with aspartic acid.
Molecular consequence: missense variant.
Genome position (GRCh38, 1-based): chr11:108,267,221, A>T. VCF-style: chr11-108267221-A-T. GRCh37 (hg19) VCF-style: chr11-108137948-A-T.
Other names: c.2517A>T, p.Glu839Asp (NM_001351834.2); short protein forms E839D.
Identifiers: ClinVar variation 407713 (VCV000407713.28), dbSNP rs1060501697, ClinGen allele CA16613101.
Genomic context (GRCh38, chr11:108,267,221, plus strand): 5'-TTCCTTGAAGGCATCCTTCATCAAAAAGCCATTTGACCGTGGAGAAGTAGAATCAATGGA[A>T]GATGATACTAATGGAAATCTAATGGAGGTGGAGGATCAGTCATCCATGAATCTATTTAAC-3'
Protein context (NP_000042.3, residues 829-849): PFDRGEVESM[Glu839Asp]DDTNGNLMEV